The following is an entry in ClinVar:

ClinVar aggregate classification (germline): Uncertain significance. Review status: criteria provided, multiple submitters, no conflicts (2 of 4 stars). 3 submissions from 3 submitters: Uncertain significance (3). Last evaluated 2023-10-24.

Conditions:
Cardiovascular phenotype. Identifiers: MedGen CN230736.
Hereditary cancer-predisposing syndrome. Also called: Hereditary neoplastic syndrome; Neoplastic Syndromes, Hereditary; Tumor predisposition; Hereditary Cancer Syndrome. Identifiers: Orphanet 140162, MedGen C0027672, MeSH D009386, MONDO:0015356.
Neurofibromatosis, type 1 (NF1). Also called: VON RECKLINGHAUSEN DISEASE; Peripheral type neurofibromatosis; NEUROFIBROMATOSIS, TYPE I, SOMATIC; Neurofibromatosis, type I. Identifiers: Orphanet 636, MedGen C0027831, MONDO:0018975, OMIM 162200. Disease mechanism: loss of function.

Submissions (3):

Labcorp Genetics (formerly Invitae), Labcorp
Classification: Uncertain significance for Neurofibromatosis, type 1. Last evaluated: 2023-10-24. Review status: criteria provided, single submitter. Criteria: Invitae Variant Classification Sherloc (09022015). Collection method: clinical testing. Allele origin: germline.
Comment: This sequence change falls in intron 2 of the NF1 gene. It does not directly change the encoded amino acid sequence of the NF1 protein. It affects a nucleotide within the consensus splice site. This variant is not present in population databases (gnomAD no frequency). This variant has not been reported in the literature in individuals affected with NF1-related conditions. ClinVar contains an entry for this variant (Variation ID: 481947). Variants that disrupt the consensus splice site are a relatively common cause of aberrant splicing (PMID: 17576681, 9536098). Algorithms developed to predict the effect of sequence changes on RNA splicing suggest that this variant may create or strengthen a splice site. In summary, the available evidence is currently insufficient to determine the role of this variant in disease. Therefore, it has been classified as a Variant of Uncertain Significance.

Genome-Nilou Lab
Classification: Uncertain significance for Neurofibromatosis, type 1. Last evaluated: 2022-03-15. Review status: criteria provided, single submitter. Criteria: ACMG Guidelines, 2015. Collection method: clinical testing. Allele origin: germline. Affected: no.

Ambry Genetics
Classification: Uncertain significance for Cardiovascular phenotype; Hereditary cancer-predisposing syndrome. Last evaluated: 2016-08-19. Review status: criteria provided, single submitter. Criteria: Ambry Variant Classification Scheme 2023. Collection method: clinical testing. Allele origin: germline.
Comment: The c.204+4A>G intronic variant results from an A to G substitution 4 nucleotides after coding exon 2 in the NF1 gene. This variant was not reported in population based cohorts in the following databases: Database of Single Nucleotide Polymorphisms (dbSNP), NHLBI Exome Sequencing Project (ESP), and 1000 Genomes Project. In the ESP, this variant was not observed in 6503 samples (13006 alleles) with coverage at this position. To date, this alteration has been detected with an allele frequency of approximately 0.001% (greater than 175000 alleles tested) in our clinical cohort. Using the BDGP and ESEfinder splice site prediction tools, this alteration is predicted to weaken the efficiency of the native splice donor site; however, direct evidence is unavailable. Since supporting evidence is limited at this time, the clinical significance of this alteration remains unclear.

Literature cited by the submitters: PubMed 17576681 (cited by Labcorp Genetics (formerly Invitae), Labcorp); PubMed 9536098 (cited by Labcorp Genetics (formerly Invitae), Labcorp).

NM_001042492.3(NF1):c.204+4A>G

Gene: NF1 (neurofibromin 1; plus strand). Cytogenetic location: 17q11.2.
Variant type: single nucleotide variant.
Coding change: c.204+4A>G on transcript NM_001042492.3 (MANE Select); 4 bases into the intron after coding-DNA position 204, A replaced by G.
Molecular consequence: intron variant.
Genome position (GRCh38, 1-based): chr17:31,156,130, A>G. VCF-style: chr17-31156130-A-G. GRCh37 (hg19) VCF-style: chr17-29483148-A-G.
Other names: c.204+4A>G (NM_000267.4, NM_001128147.3).
Identifiers: ClinVar variation 481947 (VCV000481947.12), dbSNP rs1555604946, ClinGen allele CA658658574.